The following is an entry in ClinVar:

NM_133433.4(NIPBL):c.3841A>C (p.Thr1281Pro)

Gene: NIPBL (NIPBL cohesin loading factor; plus strand). Cytogenetic location: 5p13.2.
Variant type: single nucleotide variant.
Coding change: c.3841A>C on transcript NM_133433.4 (MANE Select); coding-DNA position 3841, A replaced by C.
Protein change: p.Thr1281Pro; replaces threonine 1281 with proline.
Molecular consequence: missense variant.
Genome position (GRCh38, 1-based): chr5:37,003,333, A>C. VCF-style: chr5-37003333-A-C. GRCh37 (hg19) VCF-style: chr5-37003435-A-C.
Other names: c.3841A>C, p.Thr1281Pro (NM_001438586.1, NM_015384.5); short protein forms T1281P.
Identifiers: ClinVar variation 4801413 (VCV004801413.1).

ClinVar aggregate classification (germline): Uncertain significance (1 of 4 stars; one submission).

Conditions:
Cornelia de Lange syndrome 1 (CDLS1). Also called: TYPUS DEGENERATIVUS AMSTELODAMENSIS; Brachmann de Lange syndrome; NIPBL-Related Cornelia de Lange Syndrome. Identifiers: Orphanet 199, MedGen C4551851, MONDO:0007387, OMIM 122470.

Submission:

Labcorp Genetics (formerly Invitae), Labcorp
Classification: Uncertain significance for Cornelia de Lange syndrome 1. Last evaluated: 2026-02-01. Review status: criteria provided, single submitter. Criteria: Invitae Variant Classification Sherloc (09022015). Collection method: clinical testing. Allele origin: germline.
Comment: This sequence change replaces threonine, which is neutral and polar, with proline, which is neutral and non-polar, at codon 1281 of the NIPBL protein (p.Thr1281Pro). This variant is not present in population databases (gnomAD no frequency). This variant has not been reported in the literature in individuals affected with NIPBL-related conditions. Invitae Evidence Modeling of protein sequence and biophysical properties (such as structural, functional, and spatial information, amino acid conservation, physicochemical variation, residue mobility, and thermodynamic stability) indicates that this missense variant is not expected to disrupt NIPBL protein function with a negative predictive value of 95%. In summary, the available evidence is currently insufficient to determine the role of this variant in disease. Therefore, it has been classified as a Variant of Uncertain Significance.